The following is an entry in ClinVar:

NC_000003.11:g.(?_10083287)_(10085568_?)del

Gene: FANCD2 (FA complementation group D2; plus strand). Cytogenetic location: 3p25.3.
Variant type: Deletion.
Identifiers: ClinVar variation 3246815 (VCV003246815.1).

ClinVar aggregate classification (germline): Pathogenic (1 of 4 stars; one submission).

Conditions:
Fanconi anemia (FA). Also called: Fanconi's anemia. Identifiers: Orphanet 84, MedGen C0015625, MeSH D005199, MONDO:0019391.

Submission:

Labcorp Genetics (formerly Invitae), Labcorp
Classification: Pathogenic for Fanconi anemia. Last evaluated: 2023-05-13. Review status: criteria provided, single submitter. Criteria: Invitae Variant Classification Sherloc (09022015). Collection method: clinical testing. Allele origin: unknown.
Comment: For these reasons, this variant has been classified as Pathogenic. This variant has not been reported in the literature in individuals affected with FANCD2-related conditions. This variant is a gross deletion of the genomic region encompassing exon(s) 10-14 of the FANCD2 gene. This deletion is out-of-frame, and is expected to create a premature termination codon and result in an absent or disrupted protein product. Loss-of-function variants in FANCD2 are known to be pathogenic (PMID: 17436244).

Literature cited by the submitters: PubMed 17436244.